The following is an entry in ClinVar:

ClinVar aggregate classification (germline): Uncertain significance (1 of 4 stars; one submission).

gnomAD v4.1: 2 of 1,543,230 alleles (0.00013%); highest among the groups gnomAD compares: Admixed American, 0.0023%; no homozygotes.

Submission:

Women's Health and Genetics/Laboratory Corporation of America, LabCorp
Classification: Uncertain significance. Last evaluated: 2025-04-15. Review status: criteria provided, single submitter. Criteria: LabCorp Variant Classification Summary - May 2015. Collection method: clinical testing. Allele origin: germline.
Comment: Variant summary: TPR c.6202C>T (p.Pro2068Ser) results in a non-conservative amino acid change in the encoded protein sequence. Three of five in-silico tools predict a damaging effect of the variant on protein function. The variant allele was found at a frequency of 5.4e-06 in 185666 control chromosomes. The available data on variant occurrences in the general population are insufficient to allow any conclusion about variant significance. To our knowledge, no occurrence of c.6202C>T in individuals affected with Intellectual Developmental Disorder, Autosomal Recessive 79 and no experimental evidence demonstrating its impact on protein function have been reported. No submitters have cited clinical-significance assessments for this variant to ClinVar. Based on the evidence outlined above, the variant was classified as uncertain significance.

NM_003292.3(TPR):c.6202C>T (p.Pro2068Ser)

Gene: TPR (translocated promoter region, nuclear basket protein; minus strand). Cytogenetic location: 1q31.1.
Variant type: single nucleotide variant.
Coding change: c.6202C>T on transcript NM_003292.3 (MANE Select); coding-DNA position 6202, C replaced by T.
Protein change: p.Pro2068Ser; replaces proline 2068 with serine.
Molecular consequence: missense variant.
Genome position (GRCh38, 1-based): chr1:186,323,781, G>A on the plus strand (C>T on the coding strand, the complement: TPR is on the minus strand). VCF-style: chr1-186323781-G-A. GRCh37 (hg19) VCF-style: chr1-186292913-G-A.
Other names: short protein forms P2068S.
Identifiers: ClinVar variation 3896272 (VCV003896272.2).